The following is an entry in ClinVar:

NM_003324.5(TULP3):c.305C>G (p.Ser102Ter)

Gene: TULP3 (TUB like protein 3; plus strand). Cytogenetic location: 12p13.33.
Variant type: single nucleotide variant.
Coding change: c.305C>G on transcript NM_003324.5 (MANE Select); coding-DNA position 305, C replaced by G.
Protein change: p.Ser102Ter; replaces serine 102 with a stop codon.
Molecular consequence: nonsense.
Genome position (GRCh38, 1-based): chr12:2,922,313, C>G. VCF-style: chr12-2922313-C-G. GRCh37 (hg19) VCF-style: chr12-3031479-C-G.
Other names: c.305C>G, p.Ser102Ter (NM_001160408.2); short protein forms S102*.
Identifiers: ClinVar variation 4979461 (VCV004979461.1).
Genomic context (GRCh38, chr12:2,922,313, plus strand): 5'-GGCCCTTAGGTATTGATGGTCCAGCTGCTGTCCTGAAACCAGACGAAGTTCATGCTCCAT[C>G]AGTAAGCTCCTCTGTTGTGGAAGAAGATGCTGAAAACACCGTGGATACTGCTTCCAAGCC-3'

ClinVar aggregate classification (germline): Likely pathogenic (1 of 4 stars; one submission).

Conditions:
TULP3-related condition.

gnomAD v4.1: 4 of 1,614,048 alleles (0.00025%); highest among the groups gnomAD compares: African/African-American, 0.004%; no homozygotes.

Submission:

PreventionGenetics, part of Exact Sciences
Classification: Likely pathogenic for TULP3-related condition. Last evaluated: 2026-05-22. Review status: criteria provided, single submitter. Criteria: ACMG Guidelines, 2015. Collection method: clinical testing. Allele origin: germline.
Comment: The TULP3 c.305C>G variant is predicted to result in premature protein termination (p.Ser102*). To our knowledge, this variant has not been reported in the literature or in a large population database (gnomAD), indicating this variant is rare. Nonsense variants in TULP3 are expected to be pathogenic. This variant is interpreted as likely pathogenic.